The following is an entry in ClinVar:

NM_001458.5(FLNC):c.7907G>A (p.Ser2636Asn)

Genes: FLNC-AS1 (FLNC antisense RNA 1; minus strand), FLNC (filamin C; plus strand). Cytogenetic location: 7q32.1.
Variant type: single nucleotide variant.
Coding change: c.7907G>A on transcript NM_001458.5 (MANE Select); coding-DNA position 7907, G replaced by A.
Protein change: p.Ser2636Asn; replaces serine 2636 with asparagine.
Molecular consequence: missense variant.
Genome position (GRCh38, 1-based): chr7:128,858,134, G>A. VCF-style: chr7-128858134-G-A. GRCh37 (hg19) VCF-style: chr7-128498188-G-A.
Other names: c.7808G>A, p.Ser2603Asn (NM_001127487.2); short protein forms S2636N, S2603N.
Identifiers: ClinVar variation 2943640 (VCV002943640.3), dbSNP rs1424306829, ClinGen allele CA369220423.

ClinVar aggregate classification (germline): Uncertain significance (1 of 4 stars; one submission).

Conditions:
Hypertrophic cardiomyopathy 26. Also called: Cardiomyopathy, familial hypertrophic, 26. Identifiers: Orphanet 75249, MedGen C4310749, MONDO:0014883, OMIM 617047.
Myofibrillar myopathy 5. Also called: Filaminopathy (type); FILAMINOPATHY, AUTOSOMAL DOMINANT. Identifiers: Orphanet 171445, MedGen C1836050, MONDO:0012289, OMIM 609524.
Distal myopathy with posterior leg and anterior hand involvement. Also called: WILLIAMS DISTAL MYOPATHY. Identifiers: Orphanet 63273, MedGen C3279722, MONDO:0013550, OMIM 614065.

Submission:

Labcorp Genetics (formerly Invitae), Labcorp
Classification: Uncertain significance for Distal myopathy with posterior leg and anterior hand involvement; Myofibrillar myopathy 5; Hypertrophic cardiomyopathy 26. Last evaluated: 2023-09-15. Review status: criteria provided, single submitter. Criteria: Invitae Variant Classification Sherloc (09022015). Collection method: clinical testing. Allele origin: germline.
Comment: In summary, the available evidence is currently insufficient to determine the role of this variant in disease. Therefore, it has been classified as a Variant of Uncertain Significance. Advanced modeling of protein sequence and biophysical properties (such as structural, functional, and spatial information, amino acid conservation, physicochemical variation, residue mobility, and thermodynamic stability) performed at Invitae indicates that this missense variant is not expected to disrupt FLNC protein function. This variant has not been reported in the literature in individuals affected with FLNC-related conditions. This variant is not present in population databases (gnomAD no frequency). This sequence change replaces serine, which is neutral and polar, with asparagine, which is neutral and polar, at codon 2636 of the FLNC protein (p.Ser2636Asn).